The following is an entry in ClinVar:

NM_018192.4(P3H2):c.835C>T (p.Gln279Ter)

Gene: P3H2 (prolyl 3-hydroxylase 2; minus strand). Cytogenetic location: 3q28.
Variant type: single nucleotide variant.
Coding change: c.835C>T on transcript NM_018192.4 (MANE Select); coding-DNA position 835, C replaced by T.
Protein change: p.Gln279Ter; replaces glutamine 279 with a stop codon.
Molecular consequence: nonsense.
Genome position (GRCh38, 1-based): chr3:189,989,027, G>A on the plus strand (C>T on the coding strand, the complement: P3H2 is on the minus strand). VCF-style: chr3-189989027-G-A. GRCh37 (hg19) VCF-style: chr3-189706816-G-A.
Other names: c.292C>T, p.Gln98Ter (NM_001134418.2); short protein forms Q98*, Q279*.
Identifiers: ClinVar variation 1912344 (VCV001912344.5), dbSNP rs755039988, ClinGen allele CA2753196.
Genomic context (GRCh38, chr3:189,989,027, plus strand): 5'-AGAGGCGGCCAGGGCGGGTGGCAAGTTCCCTCACACATTCATGCTGACAAACAAGCACCT[G>A]CATGTAGTGATCTGGAAGACAAGAGCCAATACGTGTGTTCCTCCAGGTTGCTGAGTGCCC-3'

ClinVar aggregate classification (germline): Pathogenic (1 of 4 stars; one submission).

Allele frequency attached by ClinVar (database versions not stated): ExAC 0.00001; gnomAD 0.00001; TOPMed 0.00001.
gnomAD v4.1: 1 of 1,613,980 alleles (0.000062%); highest among the groups gnomAD compares: African/African-American, 0.0013%; no homozygotes.

Submission:

Labcorp Genetics (formerly Invitae), Labcorp
Classification: Pathogenic. Last evaluated: 2024-11-19. Review status: criteria provided, single submitter. Criteria: Invitae Variant Classification Sherloc (09022015). Collection method: clinical testing. Allele origin: germline.
Comment: This sequence change creates a premature translational stop signal (p.Gln279*) in the P3H2 gene. It is expected to result in an absent or disrupted protein product. Loss-of-function variants in P3H2 are known to be pathogenic (PMID: 24172257, 25469533). This variant is present in population databases (rs755039988, gnomAD 0.0009%). This variant has not been reported in the literature in individuals affected with P3H2-related conditions. ClinVar contains an entry for this variant (Variation ID: 1912344). Algorithms developed to predict the effect of sequence changes on RNA splicing suggest that this variant may disrupt the consensus splice site. For these reasons, this variant has been classified as Pathogenic.

Literature cited by the submitters: PubMed 24172257; PubMed 25469533.